The following is an entry in ClinVar:

NC_000006.11:g.(?_5431254)_(5431425_?)dup

Gene: FARS2 (phenylalanyl-tRNA synthetase 2, mitochondrial; plus strand). Cytogenetic location: 6p25.1.
Variant type: Duplication.
Identifiers: ClinVar variation 584077 (VCV000584077.5).

ClinVar aggregate classification (germline): Uncertain significance (1 of 4 stars; one submission).

Conditions:
Combined oxidative phosphorylation defect type 14. Also called: Combined oxidative phosphorylation deficiency 14. Identifiers: Orphanet 319519, MedGen C4755312, MONDO:0013986, OMIM 614946.

Submission:

Labcorp Genetics (formerly Invitae), Labcorp
Classification: Uncertain significance for Combined oxidative phosphorylation defect type 14. Last evaluated: 2023-08-04. Review status: criteria provided, single submitter. Criteria: Invitae Variant Classification Sherloc (09022015). Collection method: clinical testing. Allele origin: germline.
Comment: In summary, the available evidence is currently insufficient to determine the role of this variant in disease. Therefore, it has been classified as a Variant of Uncertain Significance. Experimental studies and prediction algorithms are not available or were not evaluated, and the functional significance of this variant is currently unknown. This variant has not been reported in the literature in individuals affected with FARS2-related conditions. This variant results in a copy number gain of the genomic region encompassing exon(s) 4 of the FARS2 gene. While the exact position of this variant cannot be determined from the data, sub-genic copy number gains are generally in tandem (PMID: 25640679). This variant is predicted to be in-frame, and likely preserves the integrity of the reading frame.

Literature cited by the submitters: PubMed 25640679.